The following is an entry in ClinVar:

ClinVar aggregate classification (germline): Conflicting classifications of pathogenicity. Review status: criteria provided, conflicting classifications (1 of 4 stars). 3 submissions from 3 submitters: Pathogenic (1); Likely pathogenic (1); Uncertain significance (1). Last evaluated 2024-10-08.

Conditions:
Hyperphosphatasia with impaired intellectual development syndrome 4. Also called: GLYCOSYLPHOSPHATIDYLINOSITOL BIOSYNTHESIS DEFECT 10; Hyperphosphatasia with intellectual disability syndrome 4. Identifiers: Orphanet 247262, MedGen C3810354, MONDO:0014318, OMIM 615716.

Allele frequency attached by ClinVar (database versions not stated): gnomAD exomes below 0.00001.
gnomAD v4.1: 2 of 1,614,074 alleles (0.00012%); highest among the groups gnomAD compares: African/African-American, 0.0027%; no homozygotes.

Submissions (3):

Victorian Clinical Genetics Services, Murdoch Childrens Research Institute
Classification: Likely pathogenic for Hyperphosphatasia with impaired intellectual development syndrome 4. Last evaluated: 2024-10-08. Review status: criteria provided, single submitter. Criteria: ACMG Guidelines, 2015. Collection method: clinical testing. Allele origin: germline. Inheritance: Autosomal recessive inheritance. Affected: yes.
Comment: Based on the classification scheme VCGS_Germline_v1.3.4, this variant is classified as Likely pathogenic. Following criteria are met: 0102 - Loss of function is a known mechanism of disease in this gene and is associated with hyperphosphatasia with impaired intellectual development syndrome 4 (MIM#615716). (I) 0106 - This gene is associated with autosomal recessive disease. (I) 0200 - Variant is predicted to result in a missense amino acid change from arginine to threonine. (I) 0252 - This variant is homozygous. (I) 0301 - Variant is absent from gnomAD (both v2 and v3). (SP) 0309 - An alternative amino acid change at the same position has been observed in gnomAD (v2: 1 heterozygote, 0 homozygotes). (I) 0501 - Missense variant consistently predicted to be damaging by multiple in silico tools or highly conserved with a major amino acid change. (SP) 0600 - Variant is located in the annotated Per-1 like domain (DECIPHER). (I) 0705 - No comparable missense variants have previous evidence for pathogenicity. (I) 0802 - This variant has moderate previous evidence of pathogenicity in unrelated individuals. This variant has been reported in the literature in three unrelated individuals (PMID: 32845056). These individuals were all homozygous for this variant and diagnosed with hyperphosphatasia with impaired intellectual development syndrome 4 (MIM#615716). This variant has also been reported in ClinVar, once as pathogenic and once as a variant of unknown significance. (SP) 0905 - No published segregation evidence has been identified for this variant. (I) 1007 - No published functional evidence has been identified for this variant. (I) Legend: (SP) - Supporting pathogenic, (I) - Information, (SB) - Supporting benign

Labcorp Genetics (formerly Invitae), Labcorp
Classification: Uncertain significance. Last evaluated: 2024-02-24. Review status: criteria provided, single submitter. Criteria: Invitae Variant Classification Sherloc (09022015). Collection method: clinical testing. Allele origin: germline.
Comment: This sequence change replaces arginine, which is basic and polar, with threonine, which is neutral and polar, at codon 186 of the PGAP3 protein (p.Arg186Thr). This variant also falls at the last nucleotide of exon 5, which is part of the consensus splice site for this exon. This variant is not present in population databases (gnomAD no frequency). This missense change has been observed in individuals with PGAP3-congenital disorder of glycosylation (PMID: 32845056). ClinVar contains an entry for this variant (Variation ID: 1333697). An algorithm developed to predict the effect of missense changes on protein structure and function (PolyPhen-2) suggests that this variant is likely to be disruptive. Variants that disrupt the consensus splice site are a relatively common cause of aberrant splicing (PMID: 17576681, 9536098). Algorithms developed to predict the effect of sequence changes on RNA splicing suggest that this variant may disrupt the consensus splice site. In summary, the available evidence is currently insufficient to determine the role of this variant in disease. Therefore, it has been classified as a Variant of Uncertain Significance.

3billion
Classification: Pathogenic for Hyperphosphatasia with impaired intellectual development syndrome 4. Last evaluated: 2022-01-03. Review status: criteria provided, single submitter. Criteria: ACMG Guidelines, 2015. Collection method: clinical testing. Allele origin: germline. Affected: yes. Observed: 1 homozygote.
Comment: Same nucleotide change resulting in same amino acid change has been previously reported as pathogenic/likely pathogenic with strong evidence (PMID: 32845056, PS1_S). The variant has been reported to be in trans with a pathogenic variant as either compound heterozygous or homozygous in at least one similarly affected unrelated individual (PMID: 32845056, PM3_M). In silico tool predictions suggest damaging effect of the variant on gene or gene product (REVEL: 0.608, PP3_P). A missense variant is a common mechanism associated with Hyperphosphatasia with mental retardation syndrome 4 (PP2_P). It is not observed in the gnomAD v2.1.1 dataset (PM2_M). Therefore, this variant is classified as pathogenic according to the recommendation of ACMG/AMP guideline.

Literature cited by the submitters: PubMed 32845056 (cited by 3 submitters); PubMed 17576681 (cited by Labcorp Genetics (formerly Invitae), Labcorp); PubMed 9536098 (cited by Labcorp Genetics (formerly Invitae), Labcorp).

NM_033419.5(PGAP3):c.557G>C (p.Arg186Thr)

Gene: PGAP3 (post-GPI attachment to proteins phospholipase 3; minus strand). Cytogenetic location: 17q12.
Variant type: single nucleotide variant.
Coding change: c.557G>C on transcript NM_033419.5 (MANE Select); coding-DNA position 557, G replaced by C.
Protein change: p.Arg186Thr; replaces arginine 186 with threonine.
Molecular consequence: missense variant. On other transcripts: intron variant (1).
Genome position (GRCh38, 1-based): chr17:39,673,993, C>G on the plus strand (G>C on the coding strand, the complement: PGAP3 is on the minus strand). VCF-style: chr17-39673993-C-G. GRCh37 (hg19) VCF-style: chr17-37830246-C-G.
Other names: c.404G>C, p.Arg135Thr (NM_001291726.2); c.494G>C, p.Arg165Thr (NM_001291728.2); c.557G>C, p.Ser186Thr (NM_001291730.2); c.494G>C, p.Ser165Thr (NM_001291732.2); c.433-1127G>C (NM_001291733.2); c.557G>C (NM_033419.4); short protein forms R135T, R165T, R186T, S165T, S186T.
Identifiers: ClinVar variation 1333697 (VCV001333697.7), dbSNP rs2145100763, ClinGen allele CA399321616.